The following is an entry in ClinVar:

ClinVar aggregate classification (germline): Uncertain significance (1 of 4 stars; one submission).

Conditions:
Intellectual developmental disorder with dysmorphic facies and behavioral abnormalities. Identifiers: MedGen C4748135, MONDO:0060760, OMIM 618089.

Submission:

Dasa
Classification: Uncertain significance for Intellectual developmental disorder with dysmorphic facies and behavioral abnormalities. Last evaluated: 2025-06-09. Review status: criteria provided, single submitter. Criteria: DASA Assertion Criteria. Collection method: clinical testing. Allele origin: germline.
Comment: NM_001190274.2(FBXO11):c.2567G>T (p.Cys856Phe) is a missense variant that results in the substitution of cysteine with phenylalanine. This variant is absent from population databases. Computational prediction algorithms are consistent with a deleterious effect. The currently available literature and clinical evidence are not sufficient to establish a definitive association between this variant and the reported condition. Therefore, this variant is classified as a variant of uncertain significance.

NM_001190274.2(FBXO11):c.2567G>T (p.Cys856Phe)

Genes: FBXO11 (F-box protein 11; minus strand), MSH6 (mutS homolog 6; plus strand). Cytogenetic location: 2p16.3.
Variant type: single nucleotide variant.
Coding change: c.2567G>T on transcript NM_001190274.2 (MANE Select); coding-DNA position 2567, G replaced by T.
Protein change: p.Cys856Phe; replaces cysteine 856 with phenylalanine.
Molecular consequence: missense variant. On other transcripts: intron variant (6).
Genome position (GRCh38, 1-based): chr2:47,808,416, C>A on the plus strand (G>T on the coding strand, the complement: FBXO11 is on the minus strand). VCF-style: chr2-47808416-C-A. GRCh37 (hg19) VCF-style: chr2-48035555-C-A.
Other names: c.2315G>T, p.Cys772Phe (NM_001374325.1, NM_025133.4); c.*43+1513C>A (NM_001406809.1); c.*40+1516C>A (NM_001406796.1, NM_001406811.1, NM_001406805.1 and 2 more transcripts); short protein forms C772F, C856F.
Identifiers: ClinVar variation 4881861 (VCV004881861.2).